The following is an entry in ClinVar:

ClinVar aggregate classification (germline): Likely pathogenic. Review status: criteria provided, multiple submitters, no conflicts (2 of 4 stars). 4 submissions from 4 submitters: Likely pathogenic (4). Last evaluated 2025-02-26.

Conditions:
Hereditary cancer-predisposing syndrome. Also called: Tumor predisposition; Hereditary Cancer Syndrome; Neoplastic Syndromes, Hereditary; Hereditary neoplastic syndrome. Identifiers: Orphanet 140162, MedGen C0027672, MeSH D009386, MONDO:0015356.
Familial cancer of breast. Also called: Hereditary breast cancer; hereditary breast carcinoma; BREAST CANCER, FAMILIAL. Identifiers: Orphanet 227535, MedGen C0346153, MONDO:0016419, OMIM 114480. Disease mechanism: loss of function.
Ataxia-telangiectasia syndrome (AT). Also called: Cerebello-oculocutaneous telangiectasia; Immunodeficiency with ataxia telangiectasia; Ataxia-telangiectasia, complementation group D; AT, COMPLEMENTATION GROUP C; Ataxia-telangiectasia, complementation group E; LOUIS-BAR SYNDROME. Identifiers: Orphanet 100, MedGen C0004135, MONDO:0008840, OMIM 208900.

Submissions (4):

Labcorp Genetics (formerly Invitae), Labcorp
Classification: Likely pathogenic for Ataxia-telangiectasia syndrome. Last evaluated: 2025-02-26. Review status: criteria provided, single submitter. Criteria: Invitae Variant Classification Sherloc (09022015). Collection method: clinical testing. Allele origin: germline.
Comment: This sequence change affects a donor splice site in intron 13 of the ATM gene. RNA analysis indicates that disruption of this splice site induces altered splicing and may result in an absent or altered protein product. This variant is not present in population databases (gnomAD no frequency). Disruption of this splice site has been observed in individual(s) with breast cancer (PMID: 32427313). ClinVar contains an entry for this variant (Variation ID: 452784). Studies have shown that disruption of this splice site results in exon 13 skipping, and produces a non-functional protein and/or introduces a premature termination codon (internal data). In summary, the currently available evidence indicates that the variant is pathogenic, but additional data are needed to prove that conclusively. Therefore, this variant has been classified as Likely Pathogenic.

Ambry Genetics
Classification: Likely pathogenic for Hereditary cancer-predisposing syndrome. Last evaluated: 2025-01-13. Review status: criteria provided, single submitter. Criteria: Ambry Variant Classification Scheme 2023. Collection method: clinical testing. Allele origin: germline.
Comment: The c.2124+1G>T intronic variant results from a G to T substitution one nucleotide after coding exon 12 of the ATM gene. This variant was not reported in population-based cohorts in the Genome Aggregation Database (gnomAD). This nucleotide position is highly conserved in available vertebrate species. In silico splice site analysis predicts that this alteration will weaken the native splice donor site. RNA studies have demonstrated that this alteration results in abnormal splicing in the set of samples tested (Ambry internal data). Alterations that disrupt the canonical splice site are expected to cause aberrant splicing, resulting in an abnormal protein or a transcript that is subject to nonsense-mediated mRNA decay. As such, this alteration is classified as likely pathogenic.

Myriad Genetics, Inc.
Classification: Likely pathogenic for Familial cancer of breast. Last evaluated: 2024-01-17. Review status: criteria provided, single submitter. Criteria: Myriad Autosomal Dominant, Autosomal Recessive and X-Linked Classification Criteria (2023). Collection method: clinical testing. Allele origin: unknown.
Comment: This variant is considered likely pathogenic. This variant occurs within a consensus splice junction and is predicted to result in abnormal mRNA splicing of either an out-of-frame exon or an in-frame exon necessary for protein stability and/or normal function.

GeneDx
Classification: Likely pathogenic. Last evaluated: 2023-04-09. Review status: criteria provided, single submitter. Criteria: GeneDx Variant Classification Process June 2021. Collection method: clinical testing. Allele origin: germline. Affected: yes.
Comment: Canonical splice site variant predicted to result in a null allele in a gene for which loss of function is a known mechanism of disease; Not observed at significant frequency in large population cohorts (gnomAD); Has not been previously published as pathogenic or benign to our knowledge

Literature cited by the submitters: PubMed 32427313 (cited by Labcorp Genetics (formerly Invitae), Labcorp).

NM_000051.4(ATM):c.2124+1G>T

Gene: ATM (ATM serine/threonine kinase; plus strand). Cytogenetic location: 11q22.3.
Variant type: single nucleotide variant.
Coding change: c.2124+1G>T on transcript NM_000051.4 (MANE Select); the canonical splice donor site of the intron after coding-DNA position 2124, G replaced by T.
Molecular consequence: splice donor variant.
Genome position (GRCh38, 1-based): chr11:108,254,040, G>T. VCF-style: chr11-108254040-G-T. GRCh37 (hg19) VCF-style: chr11-108124767-G-T.
Other names: c.2124+1G>T (NM_001351834.2).
Identifiers: ClinVar variation 452784 (VCV000452784.15), dbSNP rs1555073553, ClinGen allele CA382537818.